The following is an entry in ClinVar:

ClinVar aggregate classification (germline): Likely benign. Review status: criteria provided, multiple submitters, no conflicts (2 of 4 stars). 2 submissions from 2 submitters: Likely benign (2). Last evaluated 2025-06-09.

Conditions:
Neuronal ceroid lipofuscinosis. Also called: Neuronal Ceroid Lipofuscinoses. Identifiers: Orphanet 216, Orphanet 79263, MedGen C0027877, MONDO:0016295. Disease mechanism: loss of function.

Allele frequency attached by ClinVar (database versions not stated): TOPMed 0.00001.

Submissions (2):

Labcorp Genetics (formerly Invitae), Labcorp
Classification: Likely benign for Neuronal ceroid lipofuscinosis. Last evaluated: 2025-06-09. Review status: criteria provided, single submitter. Criteria: Invitae Variant Classification Sherloc (09022015). Collection method: clinical testing. Allele origin: germline.

GeneDx
Classification: Likely benign. Last evaluated: 2016-04-28. Review status: criteria provided, single submitter. Criteria: GeneDx Variant Classification (06012015). Collection method: clinical testing. Allele origin: germline. Affected: yes.
Comment: This variant is considered likely benign or benign based on one or more of the following criteria: it is a conservative change, it occurs at a poorly conserved position in the protein, it is predicted to be benign by multiple in silico algorithms, and/or has population frequency not consistent with disease.

NM_006493.4(CLN5):c.21G>A (p.Thr7=)

Gene: CLN5 (CLN5 lysosomal BMP synthase; plus strand). Cytogenetic location: 13q22.3.
Variant type: single nucleotide variant.
Coding change: c.21G>A on transcript NM_006493.4 (MANE Select); coding-DNA position 21, G replaced by A.
Protein change: p.Thr7=; no amino-acid change (threonine 7 retained).
Molecular consequence: synonymous variant.
Genome position (GRCh38, 1-based): chr13:76,992,119, G>A. VCF-style: chr13-76992119-G-A. GRCh37 (hg19) VCF-style: chr13-77566254-G-A.
Other names: c.168G>A (LRG_692t1); c.21G>A, p.Thr7= (NM_001366624.2).
Identifiers: ClinVar variation 385511 (VCV000385511.5), dbSNP rs1057521258, ClinGen allele CA16606867.